The following is an entry in ClinVar:

NM_002152.3(HRC):c.684A>C (p.Ser228=)

Gene: HRC (histidine rich calcium binding protein; minus strand). Cytogenetic location: 19q13.33.
Variant type: single nucleotide variant.
Coding change: c.684A>C on transcript NM_002152.3 (MANE Select); coding-DNA position 684, A replaced by C.
Protein change: p.Ser228=; no amino-acid change (serine 228 retained).
Molecular consequence: synonymous variant.
Genome position (GRCh38, 1-based): chr19:49,154,554, T>G on the plus strand (A>C on the coding strand, the complement: HRC is on the minus strand). VCF-style: chr19-49154554-T-G. GRCh37 (hg19) VCF-style: chr19-49657811-T-G.
Identifiers: ClinVar variation 2650235 (VCV002650235.24), dbSNP rs745452407, ClinGen allele CA9568436.

ClinVar aggregate classification (germline): Likely benign (1 of 4 stars; one submission).

Allele frequency attached by ClinVar (database versions not stated): gnomAD 0.00001; ExAC 0.00068.

Submission:

CeGaT Center for Human Genetics Tuebingen
Classification: Likely benign. Last evaluated: 2025-10-01. Review status: criteria provided, single submitter. Criteria: CeGaT Center For Human Genetics Tuebingen Variant Classification Criteria Version 2. Collection method: clinical testing. Allele origin: germline. Affected: yes. Observed: 3 variant alleles.
Comment: HRC: BP4, BP7